The following is an entry in ClinVar:

ClinVar aggregate classification (germline): Likely benign (1 of 4 stars; one submission).

Conditions:
FGD1-related disorder. Also called: FGD1-related condition; FGD1-related disorders.

Submission:

PreventionGenetics, part of Exact Sciences
Classification: Likely benign for FGD1-related condition. Last evaluated: 2025-04-29. Review status: criteria provided, single submitter. Criteria: ACMG Guidelines, 2015. Collection method: clinical testing. Allele origin: germline.
Comment: This variant is classified as likely benign based on ACMG/AMP sequence variant interpretation guidelines (Richards et al. 2015 PMID: 25741868, with internal and published modifications).

NM_004463.3(FGD1):c.2016-29C>T

Gene: FGD1 (FYVE, RhoGEF and PH domain containing 1; minus strand). Cytogenetic location: Xp11.22.
Variant type: single nucleotide variant.
Coding change: c.2016-29C>T on transcript NM_004463.3 (MANE Select); 29 bases into the intron before coding-DNA position 2016, C replaced by T.
Molecular consequence: intron variant.
Genome position (GRCh38, 1-based): chrX:54,450,330, G>A on the plus strand (C>T on the coding strand, the complement: FGD1 is on the minus strand). VCF-style: chrX-54450330-G-A. GRCh37 (hg19) VCF-style: chrX-54476763-G-A.
Identifiers: ClinVar variation 4983777 (VCV004983777.1).